The following is an entry in ClinVar:

NM_005104.4(BRD2):c.201C>T (p.Ser67=)

Gene: BRD2 (bromodomain containing 2; plus strand). Cytogenetic location: 6p21.32.
Variant type: single nucleotide variant.
Coding change: c.201C>T on transcript NM_005104.4 (MANE Select); coding-DNA position 201, C replaced by T.
Protein change: p.Ser67=; no amino-acid change (serine 67 retained).
Molecular consequence: synonymous variant. On other transcripts: 5 prime UTR variant (1).
Genome position (GRCh38, 1-based): chr6:32,974,633, C>T. VCF-style: chr6-32974633-C-T. GRCh37 (hg19) VCF-style: chr6-32942410-C-T.
Other names: c.201C>T, p.Ser67= (NM_001199455.1, NM_001113182.3); c.60C>T, p.Ser20= (NM_001199456.2); c.-252C>T (NM_001291986.2); c.60C>T (NM_001199456.1).
Identifiers: ClinVar variation 772878 (VCV000772878.6), dbSNP rs115120098, ClinGen allele CA3748064.

ClinVar aggregate classification (germline): Benign. Review status: criteria provided, single submitter (1 of 4 stars). 2 submissions from 2 submitters: Benign (1). 1 of the submissions does not count toward it. Last evaluated 2019-12-31.

Conditions:
BRD2-related disorder. Also called: BRD2-related condition.

Allele frequency attached by ClinVar (database versions not stated): gnomAD exomes 0.00080 and 0.00161; ExAC 0.00212; gnomAD 0.00535 and 0.00575; ESP Exome Variant Server 0.00561; TOPMed 0.00618; 1000 Genomes Project 0.00779; 1000 Genomes Project 30x 0.00796.
gnomAD v4.1: 2,059 of 1,614,210 alleles (0.13%); highest among the groups gnomAD compares: African/African-American, 1.9%; 11 homozygotes.

Submissions (2):

Labcorp Genetics (formerly Invitae), Labcorp
Classification: Benign. Last evaluated: 2019-12-31. Review status: criteria provided, single submitter. Criteria: Invitae Variant Classification Sherloc (09022015). Collection method: clinical testing. Allele origin: germline.

PreventionGenetics, part of Exact Sciences
Classification: Benign for BRD2-related condition. Last evaluated: 2020-01-02. Review status: no assertion criteria provided. Collection method: clinical testing. Allele origin: germline. Not counted in ClinVar's aggregate classification.
Comment: This variant is classified as benign based on ACMG/AMP sequence variant interpretation guidelines (Richards et al. 2015 PMID: 25741868, with internal and published modifications).